The following is an entry in ClinVar:

NM_001793.6(CDH3):c.14G>A (p.Arg5His)

Genes: CDH3 (cadherin 3; plus strand), CDH3-AS1 (CDH3 antisense RNA 1; minus strand). Cytogenetic location: 16q22.1.
Variant type: single nucleotide variant.
Coding change: c.14G>A on transcript NM_001793.6 (MANE Select); coding-DNA position 14, G replaced by A.
Protein change: p.Arg5His; replaces arginine 5 with histidine.
Molecular consequence: missense variant. On other transcripts: 5 prime UTR variant (1).
Genome position (GRCh38, 1-based): chr16:68,645,393, G>A. VCF-style: chr16-68645393-G-A. GRCh37 (hg19) VCF-style: chr16-68679296-G-A.
Other names: c.14G>A, p.Arg5His (NM_001317195.3); c.-37G>A (NM_001317196.2); short protein forms R5H.
Identifiers: ClinVar variation 2060298 (VCV002060298.4), dbSNP rs754912749, ClinGen allele CA8128899.

ClinVar aggregate classification (germline): Uncertain significance (1 of 4 stars; one submission).

Allele frequency attached by ClinVar (database versions not stated): gnomAD exomes 0.00001; ExAC 0.00001.
gnomAD v4.1: 8 of 1,613,486 alleles (0.0005%); highest among the groups gnomAD compares: Admixed American, 0.01%; no homozygotes.

Submission:

Labcorp Genetics (formerly Invitae), Labcorp
Classification: Uncertain significance. Last evaluated: 2022-02-09. Review status: criteria provided, single submitter. Criteria: Invitae Variant Classification Sherloc (09022015). Collection method: clinical testing. Allele origin: germline.
Comment: This sequence change replaces arginine, which is basic and polar, with histidine, which is basic and polar, at codon 5 of the CDH3 protein (p.Arg5His). The frequency data for this variant in the population databases is considered unreliable, as metrics indicate poor data quality at this position in the gnomAD database. This variant has not been reported in the literature in individuals affected with CDH3-related conditions. Experimental studies and prediction algorithms are not available or were not evaluated, and the functional significance of this variant is currently unknown. In summary, the available evidence is currently insufficient to determine the role of this variant in disease. Therefore, it has been classified as a Variant of Uncertain Significance.